The following is an entry in ClinVar:

NM_005660.3(SLC35A2):c.619G>A (p.Val207Met)

Gene: SLC35A2 (solute carrier family 35 member A2; minus strand). Cytogenetic location: Xp11.23.
Variant type: single nucleotide variant.
Coding change: c.619G>A on transcript NM_005660.3 (MANE Select); coding-DNA position 619, G replaced by A.
Protein change: p.Val207Met; replaces valine 207 with methionine.
Molecular consequence: missense variant. On other transcripts: intron variant (3).
Genome position (GRCh38, 1-based): chrX:48,905,290, C>T on the plus strand (G>A on the coding strand, the complement: SLC35A2 is on the minus strand). VCF-style: chrX-48905290-C-T. GRCh37 (hg19) VCF-style: chrX-48762567-C-T.
Other names: c.619G>A, p.Val207Met (NM_001042498.3); c.436G>A, p.Val146Met (NM_001282649.2); c.658G>A, p.Val220Met (NM_001282650.2); c.703G>A, p.Val235Met (NM_001282651.2); c.427-398G>A (NM_001282647.2, NM_001032289.3); c.355-398G>A (NM_001282648.2); short protein forms V207M, V146M, V235M, V220M.
Identifiers: ClinVar variation 565608 (VCV000565608.1), dbSNP rs782078023, ClinGen allele CA10406108.

ClinVar aggregate classification (germline): Uncertain significance (1 of 4 stars; one submission).

Conditions:
SLC35A2-congenital disorder of glycosylation. Also called: CONGENITAL DISORDER OF GLYCOSYLATION, TYPE IIm; CDG IIm; CONGENITAL DISORDER OF GLYCOSYLATION, TYPE IIm, SOMATIC MOSAIC; EPILEPTIC ENCEPHALOPATHY, EARLY INFANTILE, 22; DEVELOPMENTAL AND EPILEPTIC ENCEPHALOPATHY 22; SLC35A2-CDG. Identifiers: Orphanet 356961, MedGen C3806688, MONDO:0010478, OMIM 300896.

Allele frequency attached by ClinVar (database versions not stated): ExAC below 0.00001; gnomAD exomes 0.00001.
gnomAD v4.1: 6 of 1,189,173 alleles (0.0005%); highest among the groups gnomAD compares: Non-Finnish European, 0.00068%; no homozygotes.

Submission:

Labcorp Genetics (formerly Invitae), Labcorp
Classification: Uncertain significance for CONGENITAL DISORDER OF GLYCOSYLATION, TYPE IIm. Last evaluated: 2018-05-23. Review status: criteria provided, single submitter. Criteria: Invitae Variant Classification Sherloc (09022015). Collection method: clinical testing. Allele origin: germline.
Comment: This sequence change replaces valine with methionine at codon 207 of the SLC35A2 protein (p.Val207Met). The valine residue is moderately conserved and there is a small physicochemical difference between valine and methionine. The frequency data for this variant in the population databases is considered unreliable, as metrics indicate poor data quality at this position in the ExAC database. This variant has not been reported in the literature in individuals with SLC35A2-related disease. Algorithms developed to predict the effect of missense changes on protein structure and function are either unavailable or do not agree on the potential impact of this missense change (SIFT: "Deleterious"; PolyPhen-2: "Probably Damaging"; Align-GVGD: "Class C0"). In summary, the available evidence is currently insufficient to determine the role of this variant in disease. Therefore, it has been classified as a Variant of Uncertain Significance.